The following is an entry in ClinVar:

NM_001369.3(DNAH5):c.1167_1168insGTGA (p.Ser390fs)

Gene: DNAH5 (dynein axonemal heavy chain 5; minus strand). Cytogenetic location: 5p15.2.
Variant type: Insertion.
Coding change: c.1167_1168insGTGA on transcript NM_001369.3 (MANE Select); coding-DNA positions 1167 to 1168, GTGA inserted.
Protein change: p.Ser390fs; shifts the reading frame from serine 390.
Molecular consequence: frameshift variant.
Genome position: GRCh38 VCF-style: chr5-13916377-A-ATCAC. GRCh37 (hg19) VCF-style: chr5-13916486-A-ATCAC.
Other names: short protein forms S390fs.
Identifiers: ClinVar variation 2833111 (VCV002833111.3), dbSNP rs2547135070, ClinGen allele CA2739274595.

ClinVar aggregate classification (germline): Pathogenic (1 of 4 stars; one submission).

Conditions:
Primary ciliary dyskinesia. Also called: Ciliary dyskinesia. Identifiers: Orphanet 244, MedGen C0008780, MONDO:0016575, HP:0012265.

Submission:

Labcorp Genetics (formerly Invitae), Labcorp
Classification: Pathogenic for Primary ciliary dyskinesia. Last evaluated: 2023-01-31. Review status: criteria provided, single submitter. Criteria: Invitae Variant Classification Sherloc (09022015). Collection method: clinical testing. Allele origin: germline.
Comment: This sequence change creates a premature translational stop signal (p.Ser390Valfs*3) in the DNAH5 gene. It is expected to result in an absent or disrupted protein product. Loss-of-function variants in DNAH5 are known to be pathogenic (PMID: 11788826, 16627867). This variant is not present in population databases (gnomAD no frequency). This variant has not been reported in the literature in individuals affected with DNAH5-related conditions. For these reasons, this variant has been classified as Pathogenic.

Literature cited by the submitters: PubMed 11788826; PubMed 16627867.